The following is an entry in ClinVar:

NM_000987.5(RPL26):c.44G>T (p.Arg15Leu)

Gene: RPL26 (ribosomal protein L26; minus strand). Cytogenetic location: 17p13.1.
Variant type: single nucleotide variant.
Coding change: c.44G>T on transcript NM_000987.5 (MANE Select); coding-DNA position 44, G replaced by T.
Protein change: p.Arg15Leu; replaces arginine 15 with leucine.
Molecular consequence: missense variant.
Genome position (GRCh38, 1-based): chr17:8,382,267, C>A on the plus strand (G>T on the coding strand, the complement: RPL26 is on the minus strand). VCF-style: chr17-8382267-C-A. GRCh37 (hg19) VCF-style: chr17-8285585-C-A.
Other names: c.44G>T, p.Arg15Leu (NM_001315530.2, NM_001315531.2); short protein forms R15L.
Identifiers: ClinVar variation 2786069 (VCV002786069.3), dbSNP rs2544009334, ClinGen allele CA398017716.
Genomic context (GRCh38, chr17:8,382,267, plus strand): 5'-GAAAGAGGGGAAGACATAATCTTCCTTCGAATGTGGGAAGGTGCATTGAAATGCCTTTTG[C>A]GATTCTTGCTTCGGTCGGAAGTCACAAAGGGATTAAACTTCATTTTGGCTAAATAAAAAG-3'
Protein context (NP_000978.1, residues 5-25): PFVTSDRSKN[Arg15Leu]KRHFNAPSHI

ClinVar aggregate classification (germline): Uncertain significance (1 of 4 stars; one submission).

Conditions:
Diamond-Blackfan anemia. Also called: Blackfan Diamond syndrome; Aregenerative anemia chronic congenital; Red cell aplasia, pure hereditary; Congenital hypoplastic anemia; Aase syndrome. Identifiers: Orphanet 124, MedGen C1260899, MeSH D029503, MONDO:0015253, HP:0004810.

Submission:

Labcorp Genetics (formerly Invitae), Labcorp
Classification: Uncertain significance for Diamond-Blackfan anemia. Last evaluated: 2023-01-03. Review status: criteria provided, single submitter. Criteria: Invitae Variant Classification Sherloc (09022015). Collection method: clinical testing. Allele origin: germline.
Comment: In summary, the available evidence is currently insufficient to determine the role of this variant in disease. Therefore, it has been classified as a Variant of Uncertain Significance. This sequence change replaces arginine, which is basic and polar, with leucine, which is neutral and non-polar, at codon 15 of the RPL26 protein (p.Arg15Leu). This variant is not present in population databases (gnomAD no frequency). This variant has not been reported in the literature in individuals affected with RPL26-related conditions. Algorithms developed to predict the effect of missense changes on protein structure and function (SIFT, PolyPhen-2, Align-GVGD) all suggest that this variant is likely to be disruptive.